The following is an entry in ClinVar:

ClinVar aggregate classification (germline): Benign/Likely benign. Review status: criteria provided, multiple submitters, no conflicts (2 of 4 stars). 3 submissions from 3 submitters: Benign (1); Likely benign (2). Last evaluated 2025-03-29.

Conditions:
Familial cancer of breast. Also called: Hereditary breast cancer; BREAST CANCER, FAMILIAL; hereditary breast carcinoma. Identifiers: Orphanet 227535, MedGen C0346153, MONDO:0016419, OMIM 114480. Disease mechanism: loss of function.
Hereditary cancer-predisposing syndrome. Also called: Hereditary neoplastic syndrome; Tumor predisposition; Neoplastic Syndromes, Hereditary; Hereditary Cancer Syndrome. Identifiers: Orphanet 140162, MedGen C0027672, MeSH D009386, MONDO:0015356.
Fanconi anemia complementation group J. Also called: BRIP1-Related Fanconi Anemia. Identifiers: Orphanet 84, MedGen C1836860, MONDO:0012187, OMIM 609054.

Allele frequency attached by ClinVar (database versions not stated): gnomAD exomes below 0.00001.
gnomAD v4.1: 2 of 1,612,004 alleles (0.00012%); highest among the groups gnomAD compares: Non-Finnish European, 0.00017%; no homozygotes.

Submissions (3):

Ambry Genetics
Classification: Likely benign for Hereditary cancer-predisposing syndrome. Last evaluated: 2025-03-29. Review status: criteria provided, single submitter. Criteria: Ambry Variant Classification Scheme 2023. Collection method: clinical testing. Allele origin: germline.

Myriad Genetics, Inc.
Classification: Benign for Familial cancer of breast. Last evaluated: 2024-08-09. Review status: criteria provided, single submitter. Criteria: Myriad Autosomal Dominant, Autosomal Recessive and X-Linked Classification Criteria (2023). Collection method: clinical testing. Allele origin: unknown.
Comment: This variant is considered benign. This variant is a silent/synonymous amino acid change and it is not expected to impact splicing.

Labcorp Genetics (formerly Invitae), Labcorp
Classification: Likely benign for Familial cancer of breast; Fanconi anemia complementation group J. Last evaluated: 2023-03-19. Review status: criteria provided, single submitter. Criteria: Invitae Variant Classification Sherloc (09022015). Collection method: clinical testing. Allele origin: germline.

NM_032043.3(BRIP1):c.192A>G (p.Gln64=)

Gene: BRIP1 (BRCA1 interacting DNA helicase 1; minus strand). Cytogenetic location: 17q23.2.
Variant type: single nucleotide variant.
Coding change: c.192A>G on transcript NM_032043.3 (MANE Select); coding-DNA position 192, A replaced by G.
Protein change: p.Gln64=; no amino-acid change (glutamine 64 retained).
Molecular consequence: synonymous variant.
Genome position (GRCh38, 1-based): chr17:61,859,809, T>C on the plus strand (A>G on the coding strand, the complement: BRIP1 is on the minus strand). VCF-style: chr17-61859809-T-C. GRCh37 (hg19) VCF-style: chr17-59937170-T-C.
Other names: c.192A>G (NM_032043.2).
Identifiers: ClinVar variation 1142781 (VCV001142781.12), dbSNP rs2145849875, ClinGen allele CA501151619.